The following is an entry in ClinVar:

ClinVar aggregate classification (germline): Uncertain significance. Review status: criteria provided, multiple submitters, no conflicts (2 of 4 stars). 4 submissions from 4 submitters: Uncertain significance (3). 1 of the submissions does not count toward it. Last evaluated 2025-08-31.

Conditions:
Bardet-Biedl syndrome (BBS). Identifiers: Orphanet 110, MedGen C0752166, MONDO:0015229.
WDPCP-related disorder. Also called: WDPCP-related condition.
Heart defect - tongue hamartoma - polysyndactyly syndrome. Also called: Congenital heart defects, hamartomas of tongue, and polysyndactyly. Identifiers: Orphanet 1338, MedGen C1857587, MONDO:0009008, OMIM 217085.
Bardet-Biedl syndrome 15 (BBS15). Identifiers: Orphanet 110, MedGen C3150127, MONDO:0014443, OMIM 615992.
Inborn genetic diseases. Identifiers: MedGen C0950123, MeSH D030342.

Allele frequency attached by ClinVar (database versions not stated): ExAC 0.00003; gnomAD 0.00003; TOPMed 0.00006; ESP Exome Variant Server 0.00008.
gnomAD v4.1: 33 of 1,613,420 alleles (0.002%); highest among the groups gnomAD compares: South Asian, 0.0055%; no homozygotes.

Submissions (4):

Ambry Genetics
Classification: Uncertain significance for Inborn genetic diseases. Last evaluated: 2025-08-31. Review status: criteria provided, single submitter. Criteria: Ambry Variant Classification Scheme 2023. Collection method: clinical testing. Allele origin: germline.

Fulgent Genetics
Classification: Uncertain significance for Heart defect - tongue hamartoma - polysyndactyly syndrome; Bardet-Biedl syndrome 15. Last evaluated: 2022-04-22. Review status: criteria provided, single submitter. Criteria: ACMG Guidelines, 2015. Collection method: clinical testing. Allele origin: unknown.

Labcorp Genetics (formerly Invitae), Labcorp
Classification: Uncertain significance for Bardet-Biedl syndrome. Last evaluated: 2022-01-26. Review status: criteria provided, single submitter. Criteria: Invitae Variant Classification Sherloc (09022015). Collection method: clinical testing. Allele origin: germline.
Comment: This sequence change replaces arginine, which is basic and polar, with histidine, which is basic and polar, at codon 600 of the WDPCP protein (p.Arg600His). This variant is present in population databases (rs375036014, gnomAD 0.01%). This variant has not been reported in the literature in individuals affected with WDPCP-related conditions. ClinVar contains an entry for this variant (Variation ID: 1005224). Algorithms developed to predict the effect of missense changes on protein structure and function output the following: SIFT: "Tolerated"; PolyPhen-2: "Benign"; Align-GVGD: "Class C0". The histidine amino acid residue is found in multiple mammalian species, which suggests that this missense change does not adversely affect protein function. In summary, the available evidence is currently insufficient to determine the role of this variant in disease. Therefore, it has been classified as a Variant of Uncertain Significance.

PreventionGenetics, part of Exact Sciences
Classification: Uncertain significance for WDPCP-related condition. Last evaluated: 2024-09-16. Review status: no assertion criteria provided. Collection method: clinical testing. Allele origin: germline. Not counted in ClinVar's aggregate classification.
Comment: The WDPCP c.1799G>A variant is predicted to result in the amino acid substitution p.Arg600His. To our knowledge, this variant has not been reported in the literature. This variant is reported in 0.013% of alleles in individuals of African descent in gnomAD. At this time, the clinical significance of this variant is uncertain due to the absence of conclusive functional and genetic evidence.

NM_015910.7(WDPCP):c.1799G>A (p.Arg600His)

Gene: WDPCP (WD repeat containing planar cell polarity effector; minus strand). Cytogenetic location: 2p15.
Variant type: single nucleotide variant.
Coding change: c.1799G>A on transcript NM_015910.7 (MANE Select); coding-DNA position 1799, G replaced by A.
Protein change: p.Arg600His; replaces arginine 600 with histidine.
Molecular consequence: missense variant. On other transcripts: non-coding transcript variant (3).
Genome position (GRCh38, 1-based): chr2:63,313,261, C>T on the plus strand (G>A on the coding strand, the complement: WDPCP is on the minus strand). VCF-style: chr2-63313261-C-T. GRCh37 (hg19) VCF-style: chr2-63540396-C-T.
Other names: c.1322G>A, p.Arg441His (NM_001042692.3); c.1727G>A, p.Arg576His (NM_001354044.2); c.1799G>A (NM_015910.5); short protein forms R441H, R576H, R600H.
Identifiers: ClinVar variation 1005224 (VCV001005224.10), dbSNP rs375036014, ClinGen allele CA1682110.